The following is an entry in ClinVar:

ClinVar aggregate classification (germline): Uncertain significance. Review status: criteria provided, multiple submitters, no conflicts (2 of 4 stars). 2 submissions from 2 submitters: Uncertain significance (2). Last evaluated 2023-08-02.

Conditions:
Primary ciliary dyskinesia. Also called: Ciliary dyskinesia. Identifiers: Orphanet 244, MedGen C0008780, MONDO:0016575, HP:0012265.

Submissions (2):

Ambry Genetics
Classification: Uncertain significance for Primary ciliary dyskinesia. Last evaluated: 2023-08-02. Review status: criteria provided, single submitter. Criteria: Ambry Variant Classification Scheme 2023. Collection method: clinical testing. Allele origin: germline.

Labcorp Genetics (formerly Invitae), Labcorp
Classification: Uncertain significance for Primary ciliary dyskinesia. Last evaluated: 2022-07-27. Review status: criteria provided, single submitter. Criteria: Invitae Variant Classification Sherloc (09022015). Collection method: clinical testing. Allele origin: germline.
Comment: In summary, the available evidence is currently insufficient to determine the role of this variant in disease. Therefore, it has been classified as a Variant of Uncertain Significance. Algorithms developed to predict the effect of missense changes on protein structure and function output the following: SIFT: "Tolerated"; PolyPhen-2: "Benign"; Align-GVGD: "Class C0". The isoleucine amino acid residue is found in multiple mammalian species, which suggests that this missense change does not adversely affect protein function. This variant has not been reported in the literature in individuals affected with RPGR-related conditions. This variant is not present in population databases (gnomAD no frequency). This sequence change replaces methionine, which is neutral and non-polar, with isoleucine, which is neutral and non-polar, at codon 550 of the RPGR protein (p.Met550Ile).

NM_001034853.2(RPGR):c.1650G>A (p.Met550Ile)

Gene: RPGR (retinitis pigmentosa GTPase regulator; minus strand). Cytogenetic location: Xp11.4.
Variant type: single nucleotide variant.
Coding change: c.1650G>A on transcript NM_001034853.2 (MANE Select); coding-DNA position 1650, G replaced by A.
Protein change: p.Met550Ile; replaces methionine 550 with isoleucine.
Molecular consequence: missense variant. On other transcripts: non-coding transcript variant (1), intron variant (5).
Genome position (GRCh38, 1-based): chrX:38,287,964, C>T on the plus strand (G>A on the coding strand, the complement: RPGR is on the minus strand). VCF-style: chrX-38287964-C-T. GRCh37 (hg19) VCF-style: chrX-38147217-C-T.
Other names: c.1650G>A (NM_000328.2); c.1650G>A, p.Met550Ile (NM_000328.3); c.1647G>A, p.Met549Ile (NM_001367245.1); c.1464G>A, p.Met488Ile (NM_001367246.1); c.1569+2995G>A (NM_001367249.1, NM_001367250.1); c.1386+2995G>A (NM_001367251.1); c.1572+2995G>A (NM_001367247.1); c.1602+2995G>A (NM_001367248.1); short protein forms M488I, M550I, M549I.
Identifiers: ClinVar variation 2019960 (VCV002019960.6), dbSNP rs2067218635, ClinGen allele CA412737221.